The following is an entry in ClinVar:

NM_002528.7(NTHL1):c.853G>A (p.Val285Met)

Gene: NTHL1 (nth like DNA glycosylase 1; minus strand). Cytogenetic location: 16p13.3.
Variant type: single nucleotide variant.
Coding change: c.853G>A on transcript NM_002528.7 (MANE Select); coding-DNA position 853, G replaced by A.
Protein change: p.Val285Met; replaces valine 285 with methionine.
Molecular consequence: missense variant.
Genome position (GRCh38, 1-based): chr16:2,039,986, C>T on the plus strand (G>A on the coding strand, the complement: NTHL1 is on the minus strand). VCF-style: chr16-2039986-C-T. GRCh37 (hg19) VCF-style: chr16-2089987-C-T.
Other names: c.682G>A, p.Val228Met (NM_001318193.2); c.523G>A, p.Val175Met (NM_001318194.2); c.877G>A (NM_002528.5); short protein forms V175M, V228M, V285M.
Identifiers: ClinVar variation 1008869 (VCV001008869.11), dbSNP rs2084237234, ClinGen allele CA394287219.

ClinVar aggregate classification (germline): Uncertain significance. Review status: criteria provided, multiple submitters, no conflicts (2 of 4 stars). 2 submissions from 2 submitters: Uncertain significance (2). Last evaluated 2025-09-24.

Conditions:
Hereditary cancer-predisposing syndrome. Also called: Tumor predisposition; Hereditary neoplastic syndrome; Neoplastic Syndromes, Hereditary; Hereditary Cancer Syndrome. Identifiers: Orphanet 140162, MedGen C0027672, MeSH D009386, MONDO:0015356.

Submissions (2):

Labcorp Genetics (formerly Invitae), Labcorp
Classification: Uncertain significance. Last evaluated: 2025-09-24. Review status: criteria provided, single submitter. Criteria: Invitae Variant Classification Sherloc (09022015). Collection method: clinical testing. Allele origin: germline.
Comment: This sequence change replaces valine, which is neutral and non-polar, with methionine, which is neutral and non-polar, at codon 293 of the NTHL1 protein (p.Val293Met). This variant is not present in population databases (gnomAD no frequency). This variant has not been reported in the literature in individuals affected with NTHL1-related conditions. ClinVar contains an entry for this variant (Variation ID: 1008869). An algorithm developed to predict the effect of missense changes on protein structure and function (PolyPhen-2) suggests that this variant is likely to be tolerated. In summary, the available evidence is currently insufficient to determine the role of this variant in disease. Therefore, it has been classified as a Variant of Uncertain Significance.

Ambry Genetics
Classification: Uncertain significance for Hereditary cancer-predisposing syndrome. Last evaluated: 2025-07-31. Review status: criteria provided, single submitter. Criteria: Ambry Variant Classification Scheme 2023. Collection method: clinical testing. Allele origin: germline.
Comment: The p.V293M variant (also known as c.877G>A), located in coding exon 6 of the NTHL1 gene, results from a G to A substitution at nucleotide position 877. The valine at codon 293 is replaced by methionine, an amino acid with highly similar properties. This amino acid position is conserved. In addition, this alteration is predicted to be tolerated by in silico analysis. Since supporting evidence is limited at this time, the clinical significance of this alteration remains unclear.